The following is an entry in ClinVar:

NM_005591.4(MRE11):c.1112_1127del (p.Gly371fs)

Gene: MRE11 (MRE11 double strand break repair nuclease; minus strand). Cytogenetic location: 11q21.
Variant type: Deletion.
Coding change: c.1112_1127del on transcript NM_005591.4 (MANE Select); coding-DNA positions 1112 to 1127, 16 bases deleted (GAGGTTTTGAACCTTT).
Protein change: p.Gly371fs; shifts the reading frame from glycine 371.
Molecular consequence: frameshift variant.
Genome position (GRCh38, 1-based): chr11:94,464,211-94,464,226, AAAGGTTCAAAACCTC deleted on the plus strand (GAGGTTTTGAACCTTT on the coding strand, the reverse complement: MRE11 is on the minus strand). VCF-style (leftmost placement, unchanged base first): chr11-94464210-GAAAGGTTCAAAACCTC-G. GRCh37 (hg19) VCF-style: chr11-94197376-GAAAGGTTCAAAACCTC-G.
Other names: c.1112_1127del, p.Gly371fs (NM_001330347.2, NM_005590.4); short protein forms G371fs.
Identifiers: ClinVar variation 822199 (VCV000822199.9), dbSNP rs1169667763, ClinGen allele CA600840682.

ClinVar aggregate classification (germline): Pathogenic. Review status: criteria provided, multiple submitters, no conflicts (2 of 4 stars). 2 submissions from 2 submitters: Pathogenic (2). Last evaluated 2023-07-07.

Conditions:
Hereditary cancer-predisposing syndrome. Also called: Tumor predisposition; Hereditary Cancer Syndrome; Neoplastic Syndromes, Hereditary; Hereditary neoplastic syndrome. Identifiers: Orphanet 140162, MedGen C0027672, MeSH D009386, MONDO:0015356.
Ataxia-telangiectasia-like disorder (ATLD). Identifiers: MedGen C1858391, MONDO:0011457.

Allele frequency attached by ClinVar (database versions not stated): gnomAD exomes below 0.00001; gnomAD 0.00001.

Submissions (2):

Ambry Genetics
Classification: Pathogenic for Hereditary cancer-predisposing syndrome. Last evaluated: 2023-07-07. Review status: criteria provided, single submitter. Criteria: Ambry Variant Classification Scheme 2023. Collection method: clinical testing. Allele origin: germline.
Comment: The c.1112_1127del16 pathogenic mutation, located in coding exon 10 of the MRE11A gene, results from a deletion of 16 nucleotides at nucleotide positions 1112 to 1127, causing a translational frameshift with a predicted alternate stop codon (p.G371Afs*14). This alteration is expected to result in loss of function by premature protein truncation or nonsense-mediated mRNA decay. As such, this alteration is interpreted as a disease-causing mutation.

Labcorp Genetics (formerly Invitae), Labcorp
Classification: Pathogenic for Ataxia-telangiectasia-like disorder. Last evaluated: 2022-05-28. Review status: criteria provided, single submitter. Criteria: Invitae Variant Classification Sherloc (09022015). Collection method: clinical testing. Allele origin: germline.
Comment: This variant is present in population databases (no rsID available, gnomAD 0.0009%). ClinVar contains an entry for this variant (Variation ID: 822199). This variant has not been reported in the literature in individuals affected with MRE11-related conditions. For these reasons, this variant has been classified as Pathogenic. This sequence change creates a premature translational stop signal (p.Gly371Alafs*14) in the MRE11 gene. It is expected to result in an absent or disrupted protein product. Loss-of-function variants in MRE11 are known to be pathogenic (PMID: 23080121, 23912341).

Literature cited by the submitters: PubMed 23080121 (cited by Labcorp Genetics (formerly Invitae), Labcorp); PubMed 23912341 (cited by Labcorp Genetics (formerly Invitae), Labcorp).